The following is an entry in ClinVar:

NM_000322.5(PRPH2):c.647C>T (p.Pro216Leu)

Gene: PRPH2 (peripherin 2; minus strand). Cytogenetic location: 6p21.1.
Variant type: single nucleotide variant.
Coding change: c.647C>T on transcript NM_000322.5 (MANE Select); coding-DNA position 647, C replaced by T.
Protein change: p.Pro216Leu; replaces proline 216 with leucine.
Molecular consequence: missense variant.
Genome position (GRCh38, 1-based): chr6:42,704,546, G>A on the plus strand (C>T on the coding strand, the complement: PRPH2 is on the minus strand). VCF-style: chr6-42704546-G-A. GRCh37 (hg19) VCF-style: chr6-42672284-G-A.
Other names: short protein forms P216L.
Identifiers: ClinVar variation 13164 (VCV000013164.18), dbSNP rs61755806, ClinGen allele CA226285.

ClinVar aggregate classification (germline): Pathogenic. Review status: criteria provided, multiple submitters, no conflicts (2 of 4 stars). 11 submissions from 10 submitters: Pathogenic (7). 4 of the submissions do not count toward it. Last evaluated 2025-12-11.

Conditions:
Patterned dystrophy of the retinal pigment epithelium (MDPT1). Identifiers: Orphanet 63454, MedGen C1868569, MONDO:0018973.
PRPH2-related disorder. Also called: PRPH2-related disorders; PRPH2-related condition. Identifiers: MedGen CN239395.
Retinitis pigmentosa (RP). Identifiers: Orphanet 791, MedGen C0035334, MeSH D012174, MONDO:0019200, OMIM 268000. Inheritance: Autosomal dominant, autosomal recessive and X linked inheritance.
Retinitis pigmentosa 7 (RP7). Identifiers: Orphanet 791, MedGen C1842475, MONDO:0011974, OMIM 608133.
Retinal dystrophy. Also called: Inherited retinal dystrophy. Identifiers: Orphanet 71862, MedGen C0854723, MeSH D058499, MONDO:0019118, HP:0000556.

Allele frequency attached by ClinVar (database versions not stated): gnomAD exomes below 0.00001; gnomAD 0.00001.
gnomAD v4.1: 1 of 1,614,204 alleles (0.000062%); highest among the groups gnomAD compares: Non-Finnish European, 0.000085%; no homozygotes.

Submissions (11):

Labcorp Genetics (formerly Invitae), Labcorp
Classification: Pathogenic for PRPH2-related disorder. Last evaluated: 2025-12-11. Review status: criteria provided, single submitter. Criteria: Invitae Variant Classification Sherloc (09022015). Collection method: clinical testing. Allele origin: germline.
Comment: This sequence change replaces proline, which is neutral and non-polar, with leucine, which is neutral and non-polar, at codon 216 of the PRPH2 protein (p.Pro216Leu). This variant is present in population databases (rs61755806, gnomAD 0.0009%). This missense change has been observed in individual(s) with autosomal dominant retinitis pigmentosa (PMID: 1684223, 28076437). It has also been observed to segregate with disease in related individuals. ClinVar contains an entry for this variant (Variation ID: 13164). Invitae Evidence Modeling of protein sequence and biophysical properties (such as structural, functional, and spatial information, amino acid conservation, physicochemical variation, residue mobility, and thermodynamic stability) indicates that this missense variant is expected to disrupt PRPH2 protein function with a positive predictive value of 95%. Experimental studies have shown that this missense change affects PRPH2 function (PMID: 12925772). For these reasons, this variant has been classified as Pathogenic.

GeneDx
Classification: Pathogenic. Last evaluated: 2025-03-26. Review status: criteria provided, single submitter. Criteria: GeneDx Variant Classification Process June 2021. Collection method: clinical testing. Allele origin: germline. Affected: yes.
Comment: Published functional studies demonstrate a dominant negative effect (PMID: 12925772); Not observed at significant frequency in large population cohorts (gnomAD); In silico analysis supports that this missense variant has a deleterious effect on protein structure/function; This variant is associated with the following publications: (PMID: 28761320, 26773759, 19038374, 32531858, 28559085, 25167981, 29276052, 31456290, 32531846, 33576794, 31964843, 34411390, 33749171, 1684223, 12925772)

Dept Of Ophthalmology, Nagoya University
Classification: Pathogenic for Retinal dystrophy. Last evaluated: 2023-10-01. Review status: criteria provided, single submitter. Criteria: Submitter's publication. Collection method: research. Allele origin: germline. Affected: yes.

Blueprint Genetics
Classification: Pathogenic for PRPH2-related disorders. Last evaluated: 2022-07-26. Review status: criteria provided, single submitter. Criteria: ACMG Guidelines, 2015. Collection method: clinical testing. Allele origin: germline. Affected: yes. Observed: 5 variant alleles.

Institute of Human Genetics, Univ. Regensburg, Univ. Regensburg
Classification: Pathogenic for Retinal dystrophy. Last evaluated: 2021-01-01. Review status: criteria provided, single submitter. Criteria: ACMG Guidelines, 2015. Collection method: clinical testing. Allele origin: germline. Affected: yes.

NEI Ophthalmic Genomics Laboratory, National Institutes of Health
Classification: Pathogenic for Retinitis pigmentosa. Last evaluated: 2020-01-07. Review status: criteria provided, single submitter. Criteria: ACMG Guidelines, 2015. Collection method: clinical testing. Allele origin: germline. Affected: yes.
Comment: The variant NM_000322.4:c.647C>T in the PRPH2 gene has been previously studied(PMIDs 1684223, 12925772, 28559085). We found this variant in 3 patient(s) in a PRPH2 cohort study (Reeves et al. 2020). This variant is listed in dbSNP and/or HGMD (rs61755806,CM910324). It is present in gnomAD browser (AF 0.00000406). It is enriched in the PRPH2 disease cohort. We invoked ACMG criteria [PS4, PP1-M, PM1, PM2, PM3, PM5, PP3, PP5] and classified NM_000322.4:c.647C>T in the PRPH2 gene as a Pathogenic mutation.

NEI Ophthalmic Genomics Laboratory, National Institutes of Health
Classification: Pathogenic for Patterned dystrophy of the retinal pigment epithelium. Last evaluated: 2020-01-07. Review status: criteria provided, single submitter. Criteria: ACMG Guidelines, 2015. Collection method: clinical testing. Allele origin: germline. Affected: yes.
Comment: the same text as in the submission from NEI Ophthalmic Genomics Laboratory, National Institutes of Health above.

Leiden Open Variation Database
Classification: Uncertain significance. Last evaluated: 2021-04-06. Review status: no assertion criteria provided. Collection method: curation. Allele origin: germline. Affected: yes. Not counted in ClinVar's aggregate classification.
Comment: Curator: Global Variome, with Curator vacancy. Submitters to LOVD: Global Variome, with Curator vacancy, Julia Lopez, LOVD, Manon Peeters.

Sharon lab, Hadassah-Hebrew University Medical Center
Classification: Likely pathogenic for Retinitis pigmentosa. Last evaluated: 2019-06-23. Review status: no assertion criteria provided. Collection method: research. Allele origin: inherited. Affected: yes. Not counted in ClinVar's aggregate classification.

OMIM
Classification: Pathogenic for RETINITIS PIGMENTOSA 7. Last evaluated: 1991-12-12. Review status: no assertion criteria provided. Collection method: literature only. Allele origin: germline. Not counted in ClinVar's aggregate classification.

Retina International
No classification provided. Review status: no classification provided. Collection method: not provided. Allele origin: unknown. Not counted in ClinVar's aggregate classification.

Literature cited by the submitters: PubMed 1684223 (cited by 4 submitters); PubMed 28076437 (cited by Labcorp Genetics (formerly Invitae), Labcorp and Leiden Open Variation Database); PubMed 12925772 (cited by Labcorp Genetics (formerly Invitae), Labcorp and Institute of Human Genetics, Univ. Regensburg, Univ. Regensburg); PubMed 28761320 (cited by Institute of Human Genetics, Univ. Regensburg, Univ. Regensburg and Leiden Open Variation Database); PubMed 28559085 (cited by Institute of Human Genetics, Univ. Regensburg, Univ. Regensburg and Leiden Open Variation Database); PubMed 31964843 (cited by Institute of Human Genetics, Univ. Regensburg, Univ. Regensburg); PubMed 32531846 (cited by Institute of Human Genetics, Univ. Regensburg, Univ. Regensburg and Leiden Open Variation Database); PubMed 31456290 (cited by Institute of Human Genetics, Univ. Regensburg, Univ. Regensburg and Leiden Open Variation Database); PubMed 32531858 (cited by Institute of Human Genetics, Univ. Regensburg, Univ. Regensburg); PubMed 33576794 (cited by Institute of Human Genetics, Univ. Regensburg, Univ. Regensburg); PubMed 34411390 (cited by Institute of Human Genetics, Univ. Regensburg, Univ. Regensburg); PubMed 33749171 (cited by Institute of Human Genetics, Univ. Regensburg, Univ. Regensburg); PubMed 9331261 (cited by Leiden Open Variation Database); PubMed 11139241 (cited by Leiden Open Variation Database); PubMed 11853584 (cited by Leiden Open Variation Database); PubMed 16799052 (cited by Leiden Open Variation Database); PubMed 19038374 (cited by Leiden Open Variation Database); PubMed 23950152 (cited by Leiden Open Variation Database); PubMed 29276052 (cited by Leiden Open Variation Database).